The following is an entry in ClinVar:

NM_001035.3(RYR2):c.3800A>T (p.His1267Leu)

Genes: RYR2 (ryanodine receptor 2; plus strand), LOC126806067 (BRD4-independent group 4 enhancer GRCh37_chr1:237753258-237754457; plus strand). Cytogenetic location: 1q43.
Variant type: single nucleotide variant.
Coding change: c.3800A>T on transcript NM_001035.3 (MANE Select); coding-DNA position 3800, A replaced by T.
Protein change: p.His1267Leu; replaces histidine 1267 with leucine.
Molecular consequence: missense variant.
Genome position (GRCh38, 1-based): chr1:237,589,994, A>T. VCF-style: chr1-237589994-A-T. GRCh37 (hg19) VCF-style: chr1-237753294-A-T.
Other names: c.3800A>T (NM_001035.2); short protein forms H1267L.
Identifiers: ClinVar variation 2999663 (VCV002999663.4), dbSNP rs774798390, ClinGen allele CA086444.

ClinVar aggregate classification (germline): Uncertain significance. Review status: criteria provided, multiple submitters, no conflicts (2 of 4 stars). 2 submissions from 2 submitters: Uncertain significance (2). Last evaluated 2026-07-02.

Conditions:
Catecholaminergic polymorphic ventricular tachycardia 1. Also called: VENTRICULAR TACHYCARDIA, CATECHOLAMINERGIC POLYMORPHIC, 1, WITH OR WITHOUT ATRIAL DYSFUNCTION AND/OR DILATED CARDIOMYOPATHY; VENTRICULAR TACHYCARDIA, STRESS-INDUCED POLYMORPHIC 1; RYR2-Related Catecholaminergic Polymorphic Ventricular Tachycardia. Identifiers: Orphanet 3286, MedGen C1631597, MONDO:0011484, OMIM 604772.
Cardiovascular phenotype. Identifiers: MedGen CN230736.

Allele frequency attached by ClinVar (database versions not stated): TOPMed below 0.00001; ExAC 0.00001.
gnomAD v4.1: 6 of 1,611,092 alleles (0.00037%); highest among the groups gnomAD compares: Non-Finnish European, 0.00042%; no homozygotes.

Submissions (2):

Ambry Genetics
Classification: Uncertain significance for Cardiovascular phenotype. Last evaluated: 2026-07-02. Review status: criteria provided, single submitter. Criteria: Ambry Variant Classification Scheme 2023. Collection method: clinical testing. Allele origin: germline.
Comment: The p.H1267L variant (also known as c.3800A>T), located in coding exon 30 of the RYR2 gene, results from an A to T substitution at nucleotide position 3800. The histidine at codon 1267 is replaced by leucine, an amino acid with similar properties. This amino acid position is conserved. In addition, this alteration is predicted to be deleterious by in silico analysis. Based on the available evidence, the clinical significance of this variant remains unclear.

Labcorp Genetics (formerly Invitae), Labcorp
Classification: Uncertain significance for Catecholaminergic polymorphic ventricular tachycardia 1. Last evaluated: 2023-09-03. Review status: criteria provided, single submitter. Criteria: Invitae Variant Classification Sherloc (09022015). Collection method: clinical testing. Allele origin: germline.
Comment: This variant has not been reported in the literature in individuals affected with RYR2-related conditions. In summary, the available evidence is currently insufficient to determine the role of this variant in disease. Therefore, it has been classified as a Variant of Uncertain Significance. Advanced modeling of protein sequence and biophysical properties (such as structural, functional, and spatial information, amino acid conservation, physicochemical variation, residue mobility, and thermodynamic stability) performed at Invitae indicates that this missense variant is not expected to disrupt RYR2 protein function. This variant is present in population databases (rs774798390, gnomAD 0.0009%). This sequence change replaces histidine, which is basic and polar, with leucine, which is neutral and non-polar, at codon 1267 of the RYR2 protein (p.His1267Leu).